The following is an entry in ClinVar:

ClinVar aggregate classification (germline): Uncertain significance (1 of 4 stars; one submission).

Conditions:
ARMC5-related disorder. Also called: ARMC5-related condition.

gnomAD v4.1: 9 of 1,607,766 alleles (0.00056%); highest among the groups gnomAD compares: Middle Eastern, 0.017%; no homozygotes.

Submission:

PreventionGenetics, part of Exact Sciences
Classification: Uncertain significance for ARMC5-related condition. Last evaluated: 2025-08-21. Review status: criteria provided, single submitter. Criteria: ACMG Guidelines, 2015. Collection method: clinical testing. Allele origin: germline.
Comment: The ARMC5 c.1759G>T variant is predicted to result in the amino acid substitution p.Ala587Ser. This variant is also known as c.1474G>T (p.Ala492Ser) on an alternative transcript NM_001105247. To our knowledge, this variant has not been reported in the literature or in a large population database (gnomAD), indicating this variant is rare. At the time of reporting, this variant is absent from the ClinVar database. At this time, the clinical significance of this variant is uncertain due to the absence of conclusive functional and genetic evidence.

NM_001105247.2(ARMC5):c.1474G>T (p.Ala492Ser)

Gene: ARMC5 (armadillo repeat containing 5; plus strand). Cytogenetic location: 16p11.2.
Variant type: single nucleotide variant.
Coding change: c.1474G>T on transcript NM_001105247.2 (MANE Select); coding-DNA position 1474, G replaced by T.
Protein change: p.Ala492Ser; replaces alanine 492 with serine.
Molecular consequence: missense variant.
Genome position (GRCh38, 1-based): chr16:31,464,497, G>T. VCF-style: chr16-31464497-G-T. GRCh37 (hg19) VCF-style: chr16-31475818-G-T.
Other names: c.1759G>T, p.Ala587Ser (NM_001288767.2); c.1570G>T, p.Ala524Ser (NM_001301820.1); c.1474G>T, p.Ala492Ser (NM_024742.2); short protein forms A524S, A492S, A587S.
Identifiers: ClinVar variation 4986786 (VCV004986786.1).